The following is an entry in ClinVar:

ClinVar aggregate classification (germline): Benign/Likely benign. Review status: criteria provided, multiple submitters, no conflicts (2 of 4 stars). 9 submissions from 9 submitters: Benign (4); Likely benign (4). 1 of the submissions does not count toward it. Last evaluated 2026-01-26.

Conditions:
Thrombocytopenia 2 (THC2). Also called: ANKRD26-Related Thrombocytopenia. Identifiers: Orphanet 268322, MedGen C1861185, MONDO:0008555, OMIM 188000.

Allele frequency attached by ClinVar (database versions not stated): gnomAD exomes 0.00029 and 0.00113; gnomAD 0.00037 and 0.00048; TOPMed 0.00065; ExAC 0.00100; 1000 Genomes Project 30x 0.00187; 1000 Genomes Project 0.00220.
gnomAD v4.1: 514 of 1,613,500 alleles (0.032%); highest among the groups gnomAD compares: East Asian, 0.94%; 3 homozygotes.

Submissions (9):

Labcorp Genetics (formerly Invitae), Labcorp
Classification: Benign. Last evaluated: 2026-01-26. Review status: criteria provided, single submitter. Criteria: Invitae Variant Classification Sherloc (09022015). Collection method: clinical testing. Allele origin: germline.

Blueprint Genetics
Classification: Likely benign. Last evaluated: 2024-10-15. Review status: criteria provided, single submitter. Criteria: ACMG Guidelines, 2015. Collection method: clinical testing. Allele origin: germline.

Mayo Clinic Laboratories, Mayo Clinic
Classification: Likely benign. Last evaluated: 2024-07-08. Review status: criteria provided, single submitter. Criteria: ACMG Guidelines, 2015. Collection method: clinical testing. Allele origin: germline. Observed: 3 variant alleles.
Comment: BS1

CeGaT Center for Human Genetics Tuebingen
Classification: Likely benign. Last evaluated: 2024-07-01. Review status: criteria provided, single submitter. Criteria: CeGaT Center For Human Genetics Tuebingen Variant Classification Criteria Version 2. Collection method: clinical testing. Allele origin: germline. Affected: yes. Observed: 1 variant allele.
Comment: ANKRD26: BS1

GeneDx
Classification: Likely benign. Last evaluated: 2023-09-12. Review status: criteria provided, single submitter. Criteria: GeneDx Variant Classification Process June 2021. Collection method: clinical testing. Allele origin: germline.
Comment: See Variant Classification Assertion Criteria.

Genome-Nilou Lab
Classification: Benign for Thrombocytopenia 2. Last evaluated: 2021-12-05. Review status: criteria provided, single submitter. Criteria: ACMG Guidelines, 2015. Collection method: clinical testing. Allele origin: germline. Affected: no.

Genetic Services Laboratory, University of Chicago
Classification: Benign. Last evaluated: 2018-03-26. Review status: criteria provided, single submitter. Criteria: ACMG Guidelines, 2015. Collection method: clinical testing. Allele origin: germline. Affected: no.

Illumina Laboratory Services, Illumina
Classification: Benign for Thrombocytopenia 2. Last evaluated: 2018-01-13. Review status: criteria provided, single submitter. Criteria: ICSL Variant Classification Criteria 13 December 2019. Collection method: clinical testing. Allele origin: germline.
Comment: This variant was observed in the ICSL laboratory as part of a predisposition screen in an ostensibly healthy population. It had not been previously curated by ICSL or reported in the Human Gene Mutation Database (HGMD: prior to June 1st, 2018), and was therefore a candidate for classification through an automated scoring system. Utilizing variant allele frequency, disease prevalence and penetrance estimates, and inheritance mode, an automated score was calculated to assess if this variant is too frequent to cause the disease. Based on the score and internal cut-off values, a variant classified as benign is not then subjected to further curation. The score for this variant resulted in a classification of benign for this disease.

Department of Pathology and Laboratory Medicine, Sinai Health System
Classification: Likely benign. Review status: no assertion criteria provided. Collection method: clinical testing. Allele origin: unknown. Affected: yes. Study: The Canadian Open Genetics Repository (COGR). Not counted in ClinVar's aggregate classification.
Comment: The ANKRD26 p.Val1497Asp variant was not identified in the literature nor was it identified in ClinVar, Cosmic or LOVD 3.0. The variant was identified in dbSNP (ID: rs149647444) and in control databases in 303 of 280270 chromosomes (2 homozygous) at a frequency of 0.001081 increasing the likelihood this could be a low frequency benign variant (Genome Aggregation Database Feb 27, 2017). The variant was observed in the following populations: East Asian in 282 of 19508 chromosomes (freq: 0.01446), Other in 5 of 7130 chromosomes (freq: 0.000701), South Asian in 14 of 30578 chromosomes (freq: 0.000458), Latino in 1 of 35340 chromosomes (freq: 0.000028) and European (non-Finnish) in 1 of 128194 chromosomes (freq: 0.000008), but not in the African, Ashkenazi Jewish, and European (Finnish) populations. The p.Val1497 residue is not conserved in mammals, however computational analyses programs (PolyPhen-2, SIFT, AlignGVGD, BLOSUM, MutationTaster) suggest that the variant may impact the protein. The variant occurs outside of the splicing consensus sequence and in silico or computational prediction software programs (SpliceSiteFinder, MaxEntScan, NNSPLICE, GeneSplicer) do not predict a difference in splicing. In summary, based on the above information the clinical significance of this variant cannot be determined with certainty at this time. This variant is classified as a variant of uncertain significance.

NM_014915.3(ANKRD26):c.4490T>A (p.Val1497Asp)

Gene: ANKRD26 (ankyrin repeat domain 26; minus strand). Cytogenetic location: 10p12.1.
Variant type: single nucleotide variant.
Coding change: c.4490T>A on transcript NM_014915.3 (MANE Select); coding-DNA position 4490, T replaced by A.
Protein change: p.Val1497Asp; replaces valine 1497 with aspartic acid.
Molecular consequence: missense variant.
Genome position (GRCh38, 1-based): chr10:27,017,518, A>T on the plus strand (T>A on the coding strand, the complement: ANKRD26 is on the minus strand). VCF-style: chr10-27017518-A-T. GRCh37 (hg19) VCF-style: chr10-27306447-A-T.
Other names: p.Val1497Asp; c.4487T>A, p.Val1496Asp (NM_001256053.2); short protein forms V1496D, V1497D.
Identifiers: ClinVar variation 877210 (VCV000877210.34), dbSNP rs149647444, ClinGen allele CA5447784.
Genomic context (GRCh38, chr10:27,017,518, plus strand): 5'-AATTTGCAGTGAAATGAACAAAGGCACACTACACATAAGCTAACCTGTAAAAATAGATTG[A>T]CTTCTTTTAATTTTTCTGCTATTTCCTGTCTTGCTCTTTCTTCAATCTCCTGTTTATACT-3'
Protein context (NP_055730.2, residues 1487-1507): RQEIAEKLKE[Val1497Asp]NLFLQAQAAS